The following is an entry in ClinVar:

ClinVar aggregate classification (germline): Uncertain significance (1 of 4 stars; one submission).

Conditions:
Primary ciliary dyskinesia. Also called: Ciliary dyskinesia. Identifiers: Orphanet 244, MedGen C0008780, MONDO:0016575, HP:0012265.

Submission:

Labcorp Genetics (formerly Invitae), Labcorp
Classification: Uncertain significance for Primary ciliary dyskinesia. Last evaluated: 2022-06-28. Review status: criteria provided, single submitter. Criteria: Invitae Variant Classification Sherloc (09022015). Collection method: clinical testing. Allele origin: germline.
Comment: Algorithms developed to predict the effect of missense changes on protein structure and function are either unavailable or do not agree on the potential impact of this missense change (SIFT: "Deleterious"; PolyPhen-2: "Not Available"; Align-GVGD: "Class C0"). In summary, the available evidence is currently insufficient to determine the role of this variant in disease. Therefore, it has been classified as a Variant of Uncertain Significance. This variant has not been reported in the literature in individuals affected with DNAH8-related conditions. This variant is not present in population databases (gnomAD no frequency). This sequence change replaces arginine, which is basic and polar, with glycine, which is neutral and non-polar, at codon 207 of the DNAH8 protein (p.Arg207Gly).

NM_001206927.2(DNAH8):c.619C>G (p.Arg207Gly)

Gene: DNAH8 (dynein axonemal heavy chain 8; plus strand). Cytogenetic location: 6p21.2.
Variant type: single nucleotide variant.
Coding change: c.619C>G on transcript NM_001206927.2 (MANE Select); coding-DNA position 619, C replaced by G.
Protein change: p.Arg207Gly; replaces arginine 207 with glycine.
Molecular consequence: missense variant. On other transcripts: 5 prime UTR variant (1).
Genome position (GRCh38, 1-based): chr6:38,734,482, C>G. VCF-style: chr6-38734482-C-G. GRCh37 (hg19) VCF-style: chr6-38702258-C-G.
Other names: c.-33C>G (NM_001371.4); short protein forms R207G.
Identifiers: ClinVar variation 2011882 (VCV002011882.4), dbSNP rs776176679, ClinGen allele CA363985843.